The following is an entry in ClinVar:

ClinVar aggregate classification (germline): Conflicting classifications of pathogenicity. Review status: criteria provided, conflicting classifications (1 of 4 stars). 6 submissions from 6 submitters: Uncertain significance (3); Likely benign (2). 1 of the submissions does not count toward it. Last evaluated 2026-08-04.

Conditions:
Cardiovascular phenotype. Identifiers: MedGen CN230736.
Familial hypercholesterolemia. Also called: Familial hypercholesterolemias; Familial hypercholesterolaemia. Identifiers: MedGen C0020445, MONDO:0005439.
Hypercholesterolemia, familial, 4 (FHCL4). Also called: HYPERCHOLESTEROLEMIA, AUTOSOMAL RECESSIVE, 1; HYPERCHOLESTEROLEMIA, AUTOSOMAL RECESSIVE, 2. Identifiers: Orphanet 391665, MedGen C1863512, MONDO:0011374, OMIM 603813.

Allele frequency attached by ClinVar (database versions not stated): 1000 Genomes Project 30x 0.00016; 1000 Genomes Project 0.00020; TOPMed 0.00037; gnomAD 0.00021 and 0.00023; gnomAD exomes 0.00003 and 0.00008; ExAC 0.00009; ESP Exome Variant Server 0.00031.
gnomAD v4.1: 80 of 1,608,248 alleles (0.005%); highest among the groups gnomAD compares: African/African-American, 0.052%; no homozygotes.

Submissions (6):

Cambridge Genomics Laboratory, East Genomic Laboratory Hub, NHS Genomic Medicine Service
Classification: Uncertain significance for Familial hypercholesterolaemia. Last evaluated: 2026-08-04. Review status: criteria provided, single submitter. Criteria: ACGS Best Practice Guidelines for Variant Classification in Rare Disease 2020. Collection method: clinical testing. Allele origin: germline. Affected: yes.
Comment: PM2,BP4

Women's Health and Genetics/Laboratory Corporation of America, LabCorp
Classification: Uncertain significance. Last evaluated: 2024-07-27. Review status: criteria provided, single submitter. Criteria: LabCorp Variant Classification Summary - May 2015. Collection method: clinical testing. Allele origin: germline.

Ambry Genetics
Classification: Likely benign for Cardiovascular phenotype. Last evaluated: 2022-08-25. Review status: criteria provided, single submitter. Criteria: Ambry Variant Classification Scheme 2023. Collection method: clinical testing. Allele origin: germline.

Labcorp Genetics (formerly Invitae), Labcorp
Classification: Uncertain significance for Hypercholesterolemia, familial, 4. Last evaluated: 2021-09-02. Review status: criteria provided, single submitter. Criteria: Invitae Variant Classification Sherloc (09022015). Collection method: clinical testing. Allele origin: germline.
Comment: This sequence change falls in intron 3 of the LDLRAP1 gene. It does not directly change the encoded amino acid sequence of the LDLRAP1 protein. It affects a nucleotide within the consensus splice site of the intron. This variant is present in population databases (rs371561646, ExAC 0.07%). This variant has not been reported in the literature in individuals affected with LDLRAP1-related conditions. Variants that disrupt the consensus splice site are a relatively common cause of aberrant splicing (PMID: 17576681, 9536098). Algorithms developed to predict the effect of sequence changes on RNA splicing suggest that this variant is not likely to affect RNA splicing. In summary, the available evidence is currently insufficient to determine the role of this variant in disease. Therefore, it has been classified as a Variant of Uncertain Significance.

GeneDx
Classification: Likely benign. Last evaluated: 2020-07-30. Review status: criteria provided, single submitter. Criteria: GeneDx Variant Classification Process June 2021. Collection method: clinical testing. Allele origin: germline. Affected: yes.

Natera, Inc.
Classification: Uncertain significance for Familial hypercholesterolemia. Last evaluated: 2019-10-28. Review status: no assertion criteria provided. Collection method: clinical testing. Allele origin: germline. Not counted in ClinVar's aggregate classification.

Literature cited by the submitters: PubMed 17576681 (cited by Labcorp Genetics (formerly Invitae), Labcorp); PubMed 9536098 (cited by Labcorp Genetics (formerly Invitae), Labcorp).

NM_015627.3(LDLRAP1):c.344+4C>T

Gene: LDLRAP1 (low density lipoprotein receptor adaptor protein 1; plus strand). Cytogenetic location: 1p36.11.
Variant type: single nucleotide variant.
Coding change: c.344+4C>T on transcript NM_015627.3 (MANE Select); 4 bases into the intron after coding-DNA position 344, C replaced by T.
Molecular consequence: intron variant.
Genome position (GRCh38, 1-based): chr1:25,554,976, C>T. VCF-style: chr1-25554976-C-T. GRCh37 (hg19) VCF-style: chr1-25881467-C-T.
Identifiers: ClinVar variation 567026 (VCV000567026.12), dbSNP rs371561646, ClinGen allele CA695504.